The following is an entry in ClinVar:

NM_001020658.2(PUM1):c.3120+7G>T

Gene: PUM1 (pumilio RNA binding family member 1; minus strand). Cytogenetic location: 1p35.2.
Variant type: single nucleotide variant.
Coding change: c.3120+7G>T on transcript NM_001020658.2 (MANE Select); 7 bases into the intron after coding-DNA position 3120, G replaced by T.
Molecular consequence: intron variant.
Genome position (GRCh38, 1-based): chr1:30,941,991, C>A on the plus strand (G>T on the coding strand, the complement: PUM1 is on the minus strand). VCF-style: chr1-30941991-C-A. GRCh37 (hg19) VCF-style: chr1-31414838-C-A.
Other names: c.3114+7G>T (NM_014676.3).
Identifiers: ClinVar variation 3053019 (VCV003053019.17), dbSNP rs183040257, ClinGen allele CA728806.

ClinVar aggregate classification (germline): Likely benign. Review status: criteria provided, multiple submitters, no conflicts (2 of 4 stars). 3 submissions from 3 submitters: Likely benign (2). 1 of the submissions does not count toward it. Last evaluated 2025-11-01.

Conditions:
PUM1-related disorder. Also called: PUM1-related condition; PUM1-related disorders.

Allele frequency attached by ClinVar (database versions not stated): gnomAD exomes 0.00034; ExAC 0.00095; 1000 Genomes Project 30x 0.00281; 1000 Genomes Project 0.00300; gnomAD 0.00317; TOPMed 0.00334; ESP Exome Variant Server 0.00377.
gnomAD v4.1: 981 of 1,563,226 alleles (0.063%); highest among the groups gnomAD compares: African/African-American, 1.1%; 2 homozygotes.

Submissions (3):

CeGaT Center for Human Genetics Tuebingen
Classification: Likely benign. Last evaluated: 2025-11-01. Review status: criteria provided, single submitter. Criteria: CeGaT Center For Human Genetics Tuebingen Variant Classification Criteria Version 2. Collection method: clinical testing. Allele origin: germline. Affected: yes. Observed: 3 variant alleles.
Comment: PUM1: BP4, BS1

Blueprint Genetics
Classification: Likely benign. Last evaluated: 2024-11-01. Review status: criteria provided, single submitter. Criteria: ACMG Guidelines, 2015. Collection method: clinical testing. Allele origin: germline.

PreventionGenetics, part of Exact Sciences
Classification: Benign for PUM1-related condition. Last evaluated: 2019-03-04. Review status: no assertion criteria provided. Collection method: clinical testing. Allele origin: germline. Not counted in ClinVar's aggregate classification.
Comment: This variant is classified as benign based on ACMG/AMP sequence variant interpretation guidelines (Richards et al. 2015 PMID: 25741868, with internal and published modifications).